The following is an entry in ClinVar:

NM_213595.4(ISCU):c.419-209C>G

Gene: ISCU (iron-sulfur cluster assembly enzyme; plus strand). Cytogenetic location: 12q23.3.
Variant type: single nucleotide variant.
Coding change: c.419-209C>G on transcript NM_213595.4 (MANE Select); 209 bases into the intron before coding-DNA position 419, C replaced by G.
Molecular consequence: intron variant. On other transcripts: 3 prime UTR variant (1).
Genome position (GRCh38, 1-based): chr12:108,568,622, C>G. VCF-style: chr12-108568622-C-G. GRCh37 (hg19) VCF-style: chr12-108962398-C-G.
Other names: c.*918C>G (NM_001320042.1); c.344-209C>G (NM_014301.4); c.*40-209C>G (NM_001301140.1); c.*45-209C>G (NM_001301141.1).
Identifiers: ClinVar variation 681978 (VCV000681978.2), dbSNP rs888549, ClinGen allele CA13654343.
Genomic context (GRCh38, chr12:108,568,622, plus strand): 5'-AGAAGAGAAAGTAGGGTCAAAGAGGCTAAGGAACTAGCCTGGGATCACAGATTTTTAACC[C>G]TAGTCTGTCTCCAGGATCACCCGCAGGAGTAACTCAGCTCAGGAAGCAGCTGCTGACGTG-3'

ClinVar aggregate classification (germline): Benign. Review status: criteria provided, multiple submitters, no conflicts (2 of 4 stars). 2 submissions from 2 submitters: Benign (2). Last evaluated 2018-06-14.

Allele frequency attached by ClinVar (database versions not stated): TOPMed 0.72937; 1000 Genomes Project 30x 0.74422; 1000 Genomes Project 0.74840.
gnomAD v4.1: 1,167,738 of 1,422,676 alleles (82%); highest among the groups gnomAD compares: East Asian, 93%; 484,081 homozygotes.

Submissions (2):

GeneDx
Classification: Benign. Last evaluated: 2018-06-14. Review status: criteria provided, single submitter. Criteria: GeneDx Variant Classification (06012015). Collection method: clinical testing. Allele origin: germline. Affected: yes.
Comment: This variant is considered likely benign or benign based on one or more of the following criteria: it is a conservative change, it occurs at a poorly conserved position in the protein, it is predicted to be benign by multiple in silico algorithms, and/or has population frequency not consistent with disease.

Breakthrough Genomics
Classification: Benign. Review status: criteria provided, single submitter. Criteria: ACMG Guidelines, 2015. Collection method: not provided. Allele origin: germline. Inheritance: Autosomal recessive inheritance. Affected: yes.